The following is an entry in ClinVar:

ClinVar aggregate classification (germline): Uncertain significance. Review status: criteria provided, multiple submitters, no conflicts (2 of 4 stars). 3 submissions from 3 submitters: Uncertain significance (3). Last evaluated 2025-07-20.

Conditions:
Multiple congenital anomalies-hypotonia-seizures syndrome 3 (MCAHS3). Also called: GLYCOSYLPHOSPHATIDYLINOSITOL BIOSYNTHESIS DEFECT 7. Identifiers: Orphanet 369837, MedGen C3809356, MONDO:0014165, OMIM 615398.
Inborn genetic diseases. Identifiers: MedGen C0950123, MeSH D030342.

Allele frequency attached by ClinVar (database versions not stated): gnomAD exomes 0.00003; TOPMed 0.00009; ExAC 0.00003; gnomAD 0.00009.

Submissions (3):

GeneDx
Classification: Uncertain significance. Last evaluated: 2025-07-20. Review status: criteria provided, single submitter. Criteria: GeneDx Variant Classification Process June 2021. Collection method: clinical testing. Allele origin: germline.
Comment: In silico analysis supports that this missense variant has a deleterious effect on protein structure/function; Has not been previously published as pathogenic or benign to our knowledge

Ambry Genetics
Classification: Uncertain significance for Inborn genetic diseases. Last evaluated: 2024-08-12. Review status: criteria provided, single submitter. Criteria: Ambry Variant Classification Scheme 2023. Collection method: clinical testing. Allele origin: germline.

Labcorp Genetics (formerly Invitae), Labcorp
Classification: Uncertain significance for Multiple congenital anomalies-hypotonia-seizures syndrome 3. Last evaluated: 2022-08-16. Review status: criteria provided, single submitter. Criteria: Invitae Variant Classification Sherloc (09022015). Collection method: clinical testing. Allele origin: germline.
Comment: This sequence change replaces arginine, which is basic and polar, with tryptophan, which is neutral and slightly polar, at codon 422 of the PIGT protein (p.Arg422Trp). This variant is present in population databases (rs748973089, gnomAD 0.04%). This variant has not been reported in the literature in individuals affected with PIGT-related conditions. Algorithms developed to predict the effect of missense changes on protein structure and function are either unavailable or do not agree on the potential impact of this missense change (SIFT: "Deleterious"; PolyPhen-2: "Probably Damaging"; Align-GVGD: "Class C0"). In summary, the available evidence is currently insufficient to determine the role of this variant in disease. Therefore, it has been classified as a Variant of Uncertain Significance.

NM_015937.6(PIGT):c.1264C>T (p.Arg422Trp)

Gene: PIGT (phosphatidylinositol glycan anchor biosynthesis class T; plus strand). Cytogenetic location: 20q13.12.
Variant type: single nucleotide variant.
Coding change: c.1264C>T on transcript NM_015937.6 (MANE Select); coding-DNA position 1264, C replaced by T.
Protein change: p.Arg422Trp; replaces arginine 422 with tryptophan.
Molecular consequence: missense variant. On other transcripts: non-coding transcript variant (5).
Genome position (GRCh38, 1-based): chr20:45,424,245, C>T. VCF-style: chr20-45424245-C-T. GRCh37 (hg19) VCF-style: chr20-44052885-C-T.
Other names: c.1264C>T (NM_015937.4, NM_015937.5); c.1096C>T, p.Arg366Trp (NM_001184728.3); c.1063C>T, p.Arg355Trp (NM_001184729.3); c.958C>T, p.Arg320Trp (NM_001184730.3); short protein forms R366W, R355W, R320W, R422W.
Identifiers: ClinVar variation 2202052 (VCV002202052.4), dbSNP rs748973089, ClinGen allele CA9878212.
Genomic context (GRCh38, chr20:45,424,245, plus strand): 5'-AAGAGATGTGGGTGACCTTGCATGTCTCCAGGTTACATCCACTACCAGCCTGCCCAGGAC[C>T]GGCTGCAACCCCACCTCCTGGAGATGCTGATTCAGCTGCCGGCCAACTCAGTCACCAAGG-3'
Protein context (NP_057021.2, residues 412-432): SYIHYQPAQD[Arg422Trp]LQPHLLEMLI